The following is an entry in ClinVar:

ClinVar aggregate classification (germline): Likely benign. Review status: criteria provided, multiple submitters, no conflicts (2 of 4 stars). 3 submissions from 3 submitters: Likely benign (2). 1 of the submissions does not count toward it. Last evaluated 2026-02-01.

Conditions:
HPS6-related disorder. Also called: HPS6-related condition.

Allele frequency attached by ClinVar (database versions not stated): ExAC 0.00001; gnomAD exomes 0.00001; TOPMed 0.00003.

Submissions (3):

Labcorp Genetics (formerly Invitae), Labcorp
Classification: Likely benign. Last evaluated: 2026-02-01. Review status: criteria provided, single submitter. Criteria: Invitae Variant Classification Sherloc (09022015). Collection method: clinical testing. Allele origin: germline.

Blueprint Genetics
Classification: Likely benign. Last evaluated: 2021-11-02. Review status: criteria provided, single submitter. Criteria: ACMG Guidelines, 2015. Collection method: clinical testing. Allele origin: germline.

PreventionGenetics, part of Exact Sciences
Classification: Likely benign for HPS6-related condition. Last evaluated: 2019-02-20. Review status: no assertion criteria provided. Collection method: clinical testing. Allele origin: germline. Not counted in ClinVar's aggregate classification.
Comment: This variant is classified as likely benign based on ACMG/AMP sequence variant interpretation guidelines (Richards et al. 2015 PMID: 25741868, with internal and published modifications).

NM_024747.6(HPS6):c.1371C>T (p.Thr457=)

Gene: HPS6 (HPS6 biogenesis of lysosomal organelles complex 2 subunit 3; plus strand). Cytogenetic location: 10q24.32.
Variant type: single nucleotide variant.
Coding change: c.1371C>T on transcript NM_024747.6 (MANE Select); coding-DNA position 1371, C replaced by T.
Protein change: p.Thr457=; no amino-acid change (threonine 457 retained).
Molecular consequence: synonymous variant.
Genome position (GRCh38, 1-based): chr10:102,066,845, C>T. VCF-style: chr10-102066845-C-T. GRCh37 (hg19) VCF-style: chr10-103826602-C-T.
Other names: c.1371C>T (NM_024747.5).
Identifiers: ClinVar variation 1550906 (VCV001550906.11), dbSNP rs751167149, ClinGen allele CA5659973.